The following is an entry in ClinVar:

NM_005826.5(HNRNPR):c.281A>G (p.Lys94Arg)

Gene: HNRNPR (heterogeneous nuclear ribonucleoprotein R; minus strand). Cytogenetic location: 1p36.12.
Variant type: single nucleotide variant.
Coding change: c.281A>G on transcript NM_005826.5 (MANE Select); coding-DNA position 281, A replaced by G.
Protein change: p.Lys94Arg; replaces lysine 94 with arginine.
Molecular consequence: missense variant. On other transcripts: 5 prime UTR variant (4).
Genome position (GRCh38, 1-based): chr1:23,337,857, T>C on the plus strand (A>G on the coding strand, the complement: HNRNPR is on the minus strand). VCF-style: chr1-23337857-T-C. GRCh37 (hg19) VCF-style: chr1-23664350-T-C.
Other names: c.-23A>G (NM_001102397.3, NM_001102399.3, NM_001297621.2 and 1 more transcripts); c.281A>G, p.Lys94Arg (NM_001102398.3, NM_001297620.2, NM_001437727.1 and 1 more transcripts); short protein forms K94R.
Identifiers: ClinVar variation 4999585 (VCV004999585.1).

ClinVar aggregate classification (germline): Uncertain significance (1 of 4 stars; one submission).

Conditions:
HNRNPR-related disorder. Also called: HNRNPR-related condition.

Submission:

PreventionGenetics, part of Exact Sciences
Classification: Uncertain significance for HNRNPR-related condition. Last evaluated: 2025-08-20. Review status: criteria provided, single submitter. Criteria: ACMG Guidelines, 2015. Collection method: clinical testing. Allele origin: germline.
Comment: The HNRNPR c.281A>G variant is predicted to result in the amino acid substitution p.Lys94Arg. To our knowledge, this variant has not been reported in the literature or in a large population database, indicating this variant is rare. At this time, the clinical significance of this variant is uncertain due to the absence of conclusive functional and genetic evidence.